The following is an entry in ClinVar:

ClinVar aggregate classification (germline): Pathogenic/Likely pathogenic. Review status: criteria provided, multiple submitters, no conflicts (2 of 4 stars). 3 submissions from 3 submitters: Pathogenic (1); Likely pathogenic (2). Last evaluated 2021-01-29.

Conditions:
Familial thoracic aortic aneurysm and aortic dissection (TAAD). Also called: Thoracic aortic aneurysms and dissections. Identifiers: Orphanet 91387, MedGen C4707243, MONDO:0019625.
Marfan Syndrome/Loeys-Dietz Syndrome/Familial Thoracic Aortic Aneurysms and Dissections. Identifiers: MedGen CN229799.
Marfan syndrome (MFS). Also called: Marfan syndrome, classic; Marfan syndrome type 1; Marfan's syndrome; FBN1-Related Marfan Syndrome; MARFAN SYNDROME, TYPE I. Identifiers: Orphanet 284963, Orphanet 558, MedGen C0024796, MONDO:0007947, OMIM 154700.

Submissions (3):

Labcorp Genetics (formerly Invitae), Labcorp
Classification: Likely pathogenic for Marfan syndrome; Familial thoracic aortic aneurysm and aortic dissection. Last evaluated: 2021-01-29. Review status: criteria provided, single submitter. Criteria: Invitae Variant Classification Sherloc (09022015). Collection method: clinical testing. Allele origin: germline.
Comment: In summary, the currently available evidence indicates that the variant is pathogenic, but additional data are needed to prove that conclusively. Therefore, this variant has been classified as Likely Pathogenic. Algorithms developed to predict the effect of sequence changes on RNA splicing suggest that this variant may disrupt the consensus splice site, but this prediction has not been confirmed by published transcriptional studies. This variant has been observed in individual(s) with clinical features of Marfan syndrome (PMID: 27906200). ClinVar contains an entry for this variant (Variation ID: 915817). This variant is not present in population databases (ExAC no frequency). This sequence change affects an acceptor splice site in intron 16 of the FBN1 gene. It is expected to disrupt RNA splicing. Variants that disrupt the donor or acceptor splice site typically lead to a loss of protein function (PMID: 16199547), and loss-of-function variants in FBN1 are known to be pathogenic (PMID: 17657824, 19293843).

Women's Health and Genetics/Laboratory Corporation of America, LabCorp
Classification: Likely pathogenic for Marfan Syndrome/Loeys-Dietz Syndrome/Familial Thoracic Aortic Aneurysms and Dissections. Last evaluated: 2020-07-06. Review status: criteria provided, single submitter. Criteria: LabCorp Variant Classification Summary - May 2015. Collection method: clinical testing. Allele origin: germline.
Comment: Variant summary: FBN1 c.1961-1G>A is located in a canonical splice-site and is predicted to affect mRNA splicing resulting in a significantly altered protein due to either exon skipping, shortening, or inclusion of intronic material. Several computational tools predict a significant impact on normal splicing: Four predict the variant abolishes a 3 acceptor site. However, these predictions have yet to be confirmed by functional studies. The variant was absent in 251370 control chromosomes (gnomAD). c.1961-1G>A has been reported in the literature (Groth_2017). These reports however, do not provide unequivocal conclusions about association of the variant with Marfan Syndrome. To our knowledge, no experimental evidence demonstrating an impact on protein function has been reported. In the HGMD database, there is another nucleotide change noted in the surrounding position (e.g. c.1961-3T>G,). One ClinVar submitter (evaluation after 2014) cite the variant as as pathogenic. Based on the evidence outlined above, the variant was classified as likely pathogenic.

CHEO Genetics Diagnostic Laboratory, Children's Hospital of Eastern Ontario
Classification: Pathogenic for Familial thoracic aortic aneurysm and aortic dissection. Last evaluated: 2019-04-05. Review status: criteria provided, single submitter. Criteria: ACMG Guidelines, 2015. Collection method: clinical testing. Allele origin: germline.

Literature cited by the submitters: PubMed 27906200 (cited by Labcorp Genetics (formerly Invitae), Labcorp and Women's Health and Genetics/Laboratory Corporation of America, LabCorp); PubMed 16199547 (cited by Labcorp Genetics (formerly Invitae), Labcorp); PubMed 17657824 (cited by Labcorp Genetics (formerly Invitae), Labcorp); PubMed 19293843 (cited by Labcorp Genetics (formerly Invitae), Labcorp).

NM_000138.5(FBN1):c.1961-1G>A

Gene: FBN1 (fibrillin 1; minus strand). Cytogenetic location: 15q21.1.
Variant type: single nucleotide variant.
Coding change: c.1961-1G>A on transcript NM_000138.5 (MANE Select); the canonical splice acceptor site of the intron before coding-DNA position 1961, G replaced by A.
Molecular consequence: splice acceptor variant.
Genome position (GRCh38, 1-based): chr15:48,503,940, C>T on the plus strand (G>A on the coding strand, the complement: FBN1 is on the minus strand). VCF-style: chr15-48503940-C-T. GRCh37 (hg19) VCF-style: chr15-48796137-C-T.
Other names: c.1961-1G>A (NM_001406716.1).
Identifiers: ClinVar variation 915817 (VCV000915817.10), dbSNP rs2043686634, ClinGen allele CA392338914.